The following is an entry in ClinVar:

NM_024496.4(IRF2BPL):c.831C>T (p.His277=)

Gene: IRF2BPL (interferon regulatory factor 2 binding protein like; minus strand). Cytogenetic location: 14q24.3.
Variant type: single nucleotide variant.
Coding change: c.831C>T on transcript NM_024496.4 (MANE Select); coding-DNA position 831, C replaced by T.
Protein change: p.His277=; no amino-acid change (histidine 277 retained).
Molecular consequence: synonymous variant.
Genome position (GRCh38, 1-based): chr14:77,026,962, G>A on the plus strand (C>T on the coding strand, the complement: IRF2BPL is on the minus strand). VCF-style: chr14-77026962-G-A. GRCh37 (hg19) VCF-style: chr14-77493305-G-A.
Identifiers: ClinVar variation 4873259 (VCV004873259.2).
Genomic context (GRCh38, chr14:77,026,962, plus strand): 5'-AGCGGGGCCCCCAGGAGCCCCTGGGGGAGCAGGCGTCGGGGGCCCACGGCTGCCCAGGGC[G>A]TGGGGAGGGGGTGGGGGGAGTACCGCAGCGCTGGCCGGGCCGTTAAGCAGCGTCTGCGGT-3'
Protein context (NP_078772.1, residues 267-287): SAAVLPPPPP[His277=]ALGSRGPPTP

ClinVar aggregate classification (germline): Likely benign (1 of 4 stars; one submission).

Submission:

CeGaT Center for Human Genetics Tuebingen
Classification: Likely benign. Last evaluated: 2026-05-01. Review status: criteria provided, single submitter. Criteria: CeGaT Center For Human Genetics Tuebingen Variant Classification Criteria Version 2. Collection method: clinical testing. Allele origin: germline. Affected: yes. Observed: 1 variant allele.
Comment: IRF2BPL: BP4, BP7